The following is an entry in ClinVar:

ClinVar aggregate classification (germline): Pathogenic/Likely pathogenic. Review status: criteria provided, multiple submitters, no conflicts (2 of 4 stars). 12 submissions from 12 submitters: Pathogenic (8); Likely pathogenic (1). 3 of the submissions do not count toward it. Last evaluated 2026-09-09.

Conditions:
Autosomal recessive nonsyndromic hearing loss 1A (DFNB1A). Also called: GJB6-Related DFNB 1 Nonsyndromic Hearing Loss and Deafness; Deafness, autosomal recessive 1A; Deafness nonsyndromic, Connexin 26 linked; Connexin 26 deafness; Nonsyndromic Hearing Loss and Deafness, DFNB1; GJB2-Related Autosomal Recessive Nonsyndromic Hearing Loss. Identifiers: Orphanet 90636, MedGen C2673759, MONDO:0009076, OMIM 220290.
X-linked mixed hearing loss with perilymphatic gusher. Also called: Deafness, X-linked 2; Gusher syndrome; NANCE DEAFNESS; PERILYMPHATIC GUSHER-DEAFNESS SYNDROME; SENSORINEURAL DEAFNESS, PROFOUND, WITH OR WITHOUT A CONDUCTIVE COMPONENT, ASSOCIATED WITH A UNIQUE DEVELOPMENTAL ABNORMALITY OF THE EAR. Identifiers: Orphanet 383, MedGen C1844678, MONDO:0010576, OMIM 304400.
Mutilating keratoderma (VOWNKL). Also called: Keratoderma hereditarium mutilans. Identifiers: Orphanet 494, MedGen C0265964, MONDO:0007422, OMIM 124500.
Ichthyosis, hystrix-like, with hearing loss. Also called: Hystrix-like ichthyosis with deafness. Identifiers: Orphanet 477, MedGen C1865234, MONDO:0011245.
Palmoplantar keratoderma-deafness syndrome. Also called: Keratoderma palmoplantar, with deafness; Palmoplantar keratoderma and sensorineural deafness; Hereditary palmoplantar keratoderma with deafness (subtype); Focal palmoplantar keratoderma with sensorineural deafness (subtype); Diffuse palmoplantar keratoderma with deafness (subtype). Identifiers: Orphanet 2202, MedGen C1835672, MONDO:0007852, OMIM 148350.
Knuckle pads, deafness AND leukonychia syndrome. Also called: Bart-Pumphrey syndrome. Identifiers: Orphanet 2698, MedGen C0266004, MONDO:0007866, OMIM 149200.
Autosomal dominant keratitis-ichthyosis-hearing loss syndrome. Also called: HID SYNDROME; Senter syndrome; KID SYNDROME, AUTOSOMAL DOMINANT. Identifiers: Orphanet 477, MedGen C0265336, MONDO:0007850, OMIM 148210.
Autosomal dominant nonsyndromic hearing loss 3A. Identifiers: Orphanet 90635, MedGen C2675750, MONDO:0011103, OMIM 601544.
GJB2-related disorder. Also called: GJB2-related condition; GJB2-related disorders. Identifiers: MedGen CN382183, MONDO:1060236.
Hearing loss. Identifiers: MedGen C3887873.
Nonsyndromic genetic hearing loss. Also called: Nonsyndromic genetic deafness; Nonsyndromic hearing loss and deafness; Non-syndromic genetic deafness. Identifiers: Orphanet 87884, MedGen C5680182, MONDO:0019497.

Allele frequency attached by ClinVar (database versions not stated): TOPMed 0.00001.
gnomAD v4.1: 18 of 1,613,756 alleles (0.0011%); highest among the groups gnomAD compares: Admixed American, 0.013%; no homozygotes.

Submissions (12):

PreventionGenetics, part of Exact Sciences
Classification: Pathogenic for GJB2-related condition. Last evaluated: 2026-09-09. Review status: criteria provided, single submitter. Criteria: ACMG Guidelines, 2015. Collection method: clinical testing. Allele origin: germline.
Comment: The GJB2 c.95G>T variant is predicted to result in the amino acid substitution p.Arg32Leu. This variant has been reported in patients with autosomal recessive nonsyndromic hearing loss (Wu et al 2002. PubMed ID: 12172394; Paz-y-Miño et al 2014. PubMed ID: 25085072; Chan et al 2010. PubMed ID: 20154630; de la Luz Arenas-Sordo et al 2012. PubMed ID: 22925408; Joseph et al 2009. PubMed ID: 19157576). This variant is reported in 0.020% of alleles in individuals of Latino descent in gnomAD. This variant is interpreted as pathogenic.

Labcorp Genetics (formerly Invitae), Labcorp
Classification: Pathogenic. Last evaluated: 2026-01-19. Review status: criteria provided, single submitter. Criteria: Invitae Variant Classification Sherloc (09022015). Collection method: clinical testing. Allele origin: germline.
Comment: This sequence change replaces arginine, which is basic and polar, with leucine, which is neutral and non-polar, at codon 32 of the GJB2 protein (p.Arg32Leu). This variant is present in population databases (rs111033190, gnomAD 0.02%). This missense change has been observed in individuals with autosomal recessive non-syndromic deafness (PMID: 19157576, 20154630, 22925408). ClinVar contains an entry for this variant (Variation ID: 499513). Invitae Evidence Modeling of protein sequence and biophysical properties (such as structural, functional, and spatial information, amino acid conservation, physicochemical variation, residue mobility, and thermodynamic stability) indicates that this missense variant is expected to disrupt GJB2 protein function with a positive predictive value of 95%. This variant disrupts the p.Arg32 amino acid residue in GJB2. Other variant(s) that disrupt this residue have been observed in individuals with GJB2-related conditions (PMID: 11493200), which suggests that this may be a clinically significant amino acid residue. For these reasons, this variant has been classified as Pathogenic.

CeGaT Center for Human Genetics Tuebingen
Classification: Pathogenic. Last evaluated: 2025-10-01. Review status: criteria provided, single submitter. Criteria: CeGaT Center For Human Genetics Tuebingen Variant Classification Criteria Version 2. Collection method: clinical testing. Allele origin: germline. Affected: yes. Observed: 1 variant allele.
Comment: GJB2: PM3:Very Strong, PM2, PM5

GeneDx
Classification: Pathogenic. Last evaluated: 2025-09-09. Review status: criteria provided, single submitter. Criteria: GeneDx Variant Classification Process June 2021. Collection method: clinical testing. Allele origin: germline. Affected: yes.
Comment: Identified in patients with hearing loss in published literature (PMID: 12172394, 19157576, 25085072); In silico analysis supports that this missense variant has a deleterious effect on protein structure/function; This variant is associated with the following publications: (PMID: 25388846, 21112098, 24840842, 26186295, 29542069, 20154630, 22925408, 25085072, 12172394, 11493200, 17146396, 36048236, 19157576)

Natera, Inc.
Classification: Pathogenic for Autosomal recessive deafness type 1A. Last evaluated: 2025-08-22. Review status: criteria provided, single submitter. Criteria: Natera Variant Classification Schema (03/2026). Collection method: clinical testing. Allele origin: germline.
Comment: The c.95G>T variant in GJB2 is a missense variant predicted to cause substitution of arginine to leucine at amino acid 32. This variant is rare in the general population with a frequency below the threshold expected for the associated phenotype(s). This variant has been observed in one or more individuals affected with the associated recessive disease, as either homozygous or compound heterozygous with a second variant (PMID: 22925408, 20154630, 19157576). Additionally, this variant has been observed to segregate in affected family members (PMID: 19157576). Given the available evidence, this variant is classified as Pathogenic.

Women's Health and Genetics/Laboratory Corporation of America, LabCorp
Classification: Pathogenic for Nonsyndromic genetic hearing loss. Last evaluated: 2022-04-21. Review status: criteria provided, single submitter. Criteria: LabCorp Variant Classification Summary - May 2015. Collection method: clinical testing. Allele origin: germline.
Comment: Variant summary: GJB2 c.95G>T (p.Arg32Leu) results in a non-conservative amino acid change located in the first transmembrane domain (Joseph_2009) of the encoded protein sequence. Five of five in-silico tools predict a damaging effect of the variant on protein function. The variant allele was found at a frequency of 3.2e-05 in 250526 control chromosomes. c.95G>T has been reported in the literature as homozygous and compound heterozygous genotypes in individuals affected with Non-Syndromic Hearing Loss (example, Wu_2002, Yamuna Joseph_2009, Chan_2010, de la Luz Arenas-Sordo_2012). These data indicate that the variant is very likely to be associated with disease. To our knowledge, no experimental evidence demonstrating an impact on protein function has been reported. Four clinical diagnostic laboratories have submitted clinical-significance assessments for this variant to ClinVar after 2014 without evidence for independent evaluation. All laboratories classified the variant as pathogenic/likely pathogenic. Based on the evidence outlined above, the variant was classified as pathogenic.

Fulgent Genetics
Classification: Pathogenic for Mutilating keratoderma; Autosomal dominant keratitis-ichthyosis-hearing loss syndrome; Palmoplantar keratoderma-deafness syndrome; Knuckle pads, deafness AND leukonychia syndrome; Autosomal recessive nonsyndromic hearing loss 1A; X-linked mixed hearing loss with perilymphatic gusher; Autosomal dominant nonsyndromic hearing loss 3A. Last evaluated: 2021-08-06. Review status: criteria provided, single submitter. Criteria: ACMG Guidelines, 2015. Collection method: clinical testing. Allele origin: unknown.

Blueprint Genetics
Classification: Pathogenic for GJB2-related disorders. Last evaluated: 2018-05-10. Review status: criteria provided, single submitter. Criteria: ACMG Guidelines, 2015. Collection method: clinical testing. Allele origin: germline. Affected: yes. Observed: 1 variant allele.

Eurofins Ntd Llc (ga)
Classification: Likely pathogenic. Last evaluated: 2017-02-06. Review status: criteria provided, single submitter. Criteria: EGL Classification Definitions 2015. Collection method: clinical testing. Allele origin: germline. Observed: 1 variant allele, 1 heterozygote.

Molecular Genetics Laboratory, BC Children's and BC Women's Hospitals
Classification: Pathogenic for Nonsyndromic genetic hearing loss. Last evaluated: 2022-05-11. Review status: no assertion criteria provided. Criteria: ACMG Guidelines, 2015. Collection method: clinical testing. Allele origin: germline. Affected: yes. Not counted in ClinVar's aggregate classification.

Counsyl
Classification: Likely pathogenic for Autosomal recessive nonsyndromic hearing loss 1A. Last evaluated: 2017-03-06. Review status: no assertion criteria provided. Collection method: clinical testing. Allele origin: unknown. Not counted in ClinVar's aggregate classification.

Clinical Molecular Genetics Laboratory, Johns Hopkins All Children's Hospital
Classification: Likely pathogenic for Hearing loss. Last evaluated: 2014-04-22. Review status: no assertion criteria provided. Collection method: clinical testing. Allele origin: germline. Affected: yes. Not counted in ClinVar's aggregate classification.

Literature cited by the submitters: PubMed 19157576 (cited by 4 submitters); PubMed 20154630 (cited by 4 submitters); PubMed 22925408 (cited by 4 submitters); PubMed 11493200 (cited by Labcorp Genetics (formerly Invitae), Labcorp); PubMed 12172394 (cited by Women's Health and Genetics/Laboratory Corporation of America, LabCorp and Counsyl); PubMed 17146396 (cited by Women's Health and Genetics/Laboratory Corporation of America, LabCorp); PubMed 25085072 (cited by Counsyl).

NM_004004.6(GJB2):c.95G>T (p.Arg32Leu)

Gene: GJB2 (gap junction protein beta 2; minus strand). Cytogenetic location: 13q12.11.
Variant type: single nucleotide variant.
Coding change: c.95G>T on transcript NM_004004.6 (MANE Select); coding-DNA position 95, G replaced by T.
Protein change: p.Arg32Leu; replaces arginine 32 with leucine.
Molecular consequence: missense variant.
Genome position (GRCh38, 1-based): chr13:20,189,487, C>A on the plus strand (G>T on the coding strand, the complement: GJB2 is on the minus strand). VCF-style: chr13-20189487-C-A. GRCh37 (hg19) VCF-style: chr13-20763626-C-A.
Other names: short protein forms R32L.
Identifiers: ClinVar variation 499513 (VCV000499513.31), dbSNP rs111033190, ClinGen allele CA6904322.